The following is an entry in ClinVar:

ClinVar aggregate classification (germline): Uncertain significance. Review status: criteria provided, multiple submitters, no conflicts (2 of 4 stars). 2 submissions from 2 submitters: Uncertain significance (2). Last evaluated 2023-06-07.

Conditions:
Ullrich congenital muscular dystrophy 2 (UCMD2). Identifiers: Orphanet 75840, MedGen C4225314, MONDO:0014654, OMIM 616470.
Bethlem myopathy 2 (BTHLM2). Identifiers: Orphanet 536516, Orphanet 610, MedGen C4225313, MONDO:0034022, OMIM 616471.

Submissions (2):

Revvity Omics, Revvity
Classification: Uncertain significance. Last evaluated: 2023-06-07. Review status: criteria provided, single submitter. Criteria: ACMG Guidelines, 2015. Collection method: clinical testing. Allele origin: germline.

Labcorp Genetics (formerly Invitae), Labcorp
Classification: Uncertain significance for Bethlem myopathy 2; Ullrich congenital muscular dystrophy 2. Last evaluated: 2022-09-27. Review status: criteria provided, single submitter. Criteria: Invitae Variant Classification Sherloc (09022015). Collection method: clinical testing. Allele origin: germline.
Comment: This sequence change results in a frameshift in the COL12A1 gene (p.Gly3027Alafs*50). While this is not anticipated to result in nonsense mediated decay, it is expected to disrupt the last 37 amino acid(s) of the COL12A1 protein and extend the protein by 12 additional amino acid residues. This variant is not present in population databases (gnomAD no frequency). This variant has not been reported in the literature in individuals affected with COL12A1-related conditions. ClinVar contains an entry for this variant (Variation ID: 1521594). Experimental studies and prediction algorithms are not available or were not evaluated, and the functional significance of this variant is currently unknown. In summary, the available evidence is currently insufficient to determine the role of this variant in disease. Therefore, it has been classified as a Variant of Uncertain Significance.

NM_004370.6(COL12A1):c.9078del (p.Gly3027fs)

Gene: COL12A1 (collagen type XII alpha 1 chain; minus strand). Cytogenetic location: 6q13.
Variant type: Deletion.
Coding change: c.9078del on transcript NM_004370.6 (MANE Select); coding-DNA position 9078, one base deleted (T; older notation c.9078delT).
Protein change: p.Gly3027fs; shifts the reading frame from glycine 3027.
Molecular consequence: frameshift variant.
Genome position (GRCh38, 1-based): chr6:75,087,680, A deleted on the plus strand (T on the coding strand, the reverse complement: COL12A1 is on the minus strand). VCF-style (leftmost placement, unchanged base first): chr6-75087679-CA-C. GRCh37 (hg19) VCF-style: chr6-75797395-CA-C.
Other names: c.5586del, p.Gly1863fs (NM_080645.3); short protein forms G1863fs, G3027fs.
Identifiers: ClinVar variation 1521594 (VCV001521594.8), dbSNP rs2149322917, ClinGen allele CA2573141209.
Genomic context (GRCh38, chr6:75,087,679, plus strand): 5'-AAGAATCACAGTATCCAGGAGGACCTGGGGGTCCTCGGATACCTGAGTTTCCAGGACGGC[CA>C]GGGGGGCCAGGGGGACCTCTTGAACCTGTGGACCCTGGTGGACCTGTTCTGGATTCTCCT-3'